The following is an entry in ClinVar:

ClinVar aggregate classification (germline): Uncertain significance. Review status: criteria provided, multiple submitters, no conflicts (2 of 4 stars). 3 submissions from 3 submitters: Uncertain significance (3). Last evaluated 2025-12-18.

Conditions:
Inborn genetic diseases. Identifiers: MedGen C0950123, MeSH D030342.
Majeed syndrome (MJDS). Also called: LPIN2-Related Majeed Syndrome; CHRONIC RECURRENT MULTIFOCAL OSTEOMYELITIS 1, WITH CONGENITAL DYSERYTHROPOIETIC ANEMIA, WITH OR WITHOUT NEUTROPHILIC DERMATOSIS. Identifiers: Orphanet 77297, MedGen C1864997, MONDO:0012316, OMIM 609628.

Allele frequency attached by ClinVar (database versions not stated): gnomAD 0.00002 and 0.00001; ESP Exome Variant Server 0.00008; ExAC 0.00001; gnomAD exomes 0.00001; TOPMed 0.00001.
gnomAD v4.1: 11 of 1,614,024 alleles (0.00068%); highest among the groups gnomAD compares: Non-Finnish European, 0.00093%; no homozygotes.

Submissions (3):

Ambry Genetics
Classification: Uncertain significance for Inborn genetic diseases. Last evaluated: 2025-12-18. Review status: criteria provided, single submitter. Criteria: Ambry Variant Classification Scheme 2023. Collection method: clinical testing. Allele origin: germline.

Labcorp Genetics (formerly Invitae), Labcorp
Classification: Uncertain significance for Majeed syndrome. Last evaluated: 2022-03-12. Review status: criteria provided, single submitter. Criteria: Invitae Variant Classification Sherloc (09022015). Collection method: clinical testing. Allele origin: germline.
Comment: This sequence change replaces threonine, which is neutral and polar, with isoleucine, which is neutral and non-polar, at codon 456 of the LPIN2 protein (p.Thr456Ile). The frequency data for this variant in the population databases is considered unreliable, as metrics indicate poor data quality at this position in the gnomAD database. This variant has not been reported in the literature in individuals affected with LPIN2-related conditions. ClinVar contains an entry for this variant (Variation ID: 663796). Algorithms developed to predict the effect of missense changes on protein structure and function (SIFT, PolyPhen-2, Align-GVGD) all suggest that this variant is likely to be tolerated. In summary, the available evidence is currently insufficient to determine the role of this variant in disease. Therefore, it has been classified as a Variant of Uncertain Significance.

Center for Genomics, Ann and Robert H. Lurie Children's Hospital of Chicago
Classification: Uncertain significance for Majeed syndrome. Last evaluated: 2021-08-24. Review status: criteria provided, single submitter. Criteria: ACMG Guidelines, 2015. Collection method: clinical testing. Allele origin: germline.
Comment: LPIN2 NM_014646.2 exon 9 p.Thr456Ile (c.1367C>T): This variant has not been reported in the literature but is present in 0.003% (2/68034) of European alleles in the Genome Aggregation Database. This variant is present in ClinVar (Variation ID:663796). Evolutionary conservation and computational predictive tools for this variant are unclear. In summary, data on this variant is insufficient for disease classification. Therefore, the clinical significance of this variant is uncertain.

NM_001375808.2(LPIN2):c.1367C>T (p.Thr456Ile)

Gene: LPIN2 (lipin 2; minus strand). Cytogenetic location: 18p11.31.
Variant type: single nucleotide variant.
Coding change: c.1367C>T on transcript NM_001375808.2 (MANE Select); coding-DNA position 1367, C replaced by T.
Protein change: p.Thr456Ile; replaces threonine 456 with isoleucine.
Molecular consequence: missense variant.
Genome position (GRCh38, 1-based): chr18:2,931,345, G>A on the plus strand (C>T on the coding strand, the complement: LPIN2 is on the minus strand). VCF-style: chr18-2931345-G-A. GRCh37 (hg19) VCF-style: chr18-2931343-G-A.
Other names: c.1367C>T, p.Thr456Ile (NM_001375809.1, NM_014646.2); short protein forms T456I.
Identifiers: ClinVar variation 663796 (VCV000663796.9), dbSNP rs368807055, ClinGen allele CA8873122.